The following is an entry in ClinVar:

ClinVar aggregate classification (germline): Uncertain significance (1 of 4 stars; one submission).

Conditions:
Cardiomyopathy (CMYO). Also called: Cardiomyopathies. Identifiers: Orphanet 167848, MedGen C0878544, MONDO:0004994, HP:0001638. Inheritance: Various modes of inheritance.

gnomAD v4.1: 1 of 1,608,216 alleles (0.000062%); highest among the groups gnomAD compares: Non-Finnish European, 0.000085%; no homozygotes.

Submission:

Color Diagnostics, LLC DBA Color Health
Classification: Uncertain significance for Cardiomyopathy. Last evaluated: 2025-06-23. Review status: criteria provided, single submitter. Criteria: ACMG Guidelines, 2015. Collection method: clinical testing. Allele origin: germline.
Comment: This variant is located in the MYBPC3 protein. To our knowledge, functional studies have not been reported for this variant. This variant has not been reported in individuals affected with MYBPC3-related disorders in the literature. This variant has not been identified in the general population by the Genome Aggregation Database (gnomAD). The available evidence is insufficient to determine the role of this variant in disease conclusively. Therefore, this variant is classified as a Variant of Uncertain Significance.

NM_000256.3(MYBPC3):c.2766G>T (p.Gly922=)

Gene: MYBPC3 (myosin binding protein C3; minus strand). Cytogenetic location: 11p11.2.
Variant type: single nucleotide variant.
Coding change: c.2766G>T on transcript NM_000256.3 (MANE Select); coding-DNA position 2766, G replaced by T.
Protein change: p.Gly922=; no amino-acid change (glycine 922 retained).
Molecular consequence: synonymous variant.
Genome position (GRCh38, 1-based): chr11:47,335,181, C>A on the plus strand (G>T on the coding strand, the complement: MYBPC3 is on the minus strand). VCF-style: chr11-47335181-C-A. GRCh37 (hg19) VCF-style: chr11-47356732-C-A.
Identifiers: ClinVar variation 4756829 (VCV004756829.1).